The following is an entry in ClinVar:

NM_000088.4(COL1A1):c.3005C>A (p.Pro1002His)

Gene: COL1A1 (collagen type I alpha 1 chain; minus strand). Cytogenetic location: 17q21.33.
Variant type: single nucleotide variant.
Coding change: c.3005C>A on transcript NM_000088.4 (MANE Select); coding-DNA position 3005, C replaced by A.
Protein change: p.Pro1002His; replaces proline 1002 with histidine.
Molecular consequence: missense variant.
Genome position (GRCh38, 1-based): chr17:50,188,943, G>T on the plus strand (C>A on the coding strand, the complement: COL1A1 is on the minus strand). VCF-style: chr17-50188943-G-T. GRCh37 (hg19) VCF-style: chr17-48266304-G-T.
Other names: short protein forms P1002H.
Identifiers: ClinVar variation 3382057 (VCV003382057.2).

ClinVar aggregate classification (germline): Uncertain significance (1 of 4 stars; one submission).

Conditions:
Combined osteogenesis imperfecta and Ehlers-Danlos syndrome 1. Also called: OIEDS SYNDROME 1. Identifiers: MedGen C5436842, MONDO:0030854, OMIM 619115.

Submission:

Juno Genomics, Hangzhou Juno Genomics, Inc
Classification: Uncertain significance for Combined osteogenesis imperfecta and Ehlers-Danlos syndrome 1. Review status: criteria provided, single submitter. Criteria: ACMG Guidelines, 2015. Collection method: clinical testing. Allele origin: germline. Affected: yes.
Comment: Absent from controls (or at extremely low frequency if recessive) in Genome Aggregation Database, Exome Sequencing Project, 1000 Genomes Project, or Exome Aggregation Consortium.;Multiple lines of computational evidence support a deleterious effect on the gene or gene product (conservation, evolutionary, splicing impact, etc).;Missense variant in a gene that has a low rate of benign missense variation and where missense variants are a common mechanism of disease.;Patient's phenotype or family history is highly specific for a disease with a single genetic etiology.